The following is an entry in ClinVar:

ClinVar aggregate classification (germline): Likely benign (1 of 4 stars; one submission).

Allele frequency attached by ClinVar (database versions not stated): 1000 Genomes Project 0.00020; 1000 Genomes Project 30x 0.00031; TOPMed 0.00193; gnomAD 0.00255; ESP Exome Variant Server 0.00269; ExAC 0.00337; gnomAD exomes 0.00424.
gnomAD v4.1: 6,528 of 1,612,290 alleles (0.4%); highest among the groups gnomAD compares: South Asian, 0.67%; 20 homozygotes.

Submission:

CeGaT Center for Human Genetics Tuebingen
Classification: Likely benign. Last evaluated: 2025-06-01. Review status: criteria provided, single submitter. Criteria: CeGaT Center For Human Genetics Tuebingen Variant Classification Criteria Version 2. Collection method: clinical testing. Allele origin: germline. Affected: yes. Observed: 2 variant alleles.
Comment: UBQLN4: BP4, BP7, BS2

NM_020131.5(UBQLN4):c.1542C>T (p.Pro514=)

Gene: UBQLN4 (ubiquilin 4; minus strand). Cytogenetic location: 1q22.
Variant type: single nucleotide variant.
Coding change: c.1542C>T on transcript NM_020131.5 (MANE Select); coding-DNA position 1542, C replaced by T.
Protein change: p.Pro514=; no amino-acid change (proline 514 retained).
Molecular consequence: synonymous variant.
Genome position (GRCh38, 1-based): chr1:156,041,596, G>A on the plus strand (C>T on the coding strand, the complement: UBQLN4 is on the minus strand). VCF-style: chr1-156041596-G-A. GRCh37 (hg19) VCF-style: chr1-156011387-G-A.
Other names: c.1482C>T, p.Pro494= (NM_001304342.2).
Identifiers: ClinVar variation 2639445 (VCV002639445.24), dbSNP rs138517345, ClinGen allele CA1153936.